The following is an entry in ClinVar:

ClinVar aggregate classification (germline): Benign (1 of 4 stars; one submission).

Conditions:
Peroxisome biogenesis disorder 7A (Zellweger). Also called: Peroxisome biogenesis disorder 7A. Identifiers: Orphanet 912, MedGen C3888385, MONDO:0013938, OMIM 614872.

Allele frequency attached by ClinVar (database versions not stated): 1000 Genomes Project 0.02636; TOPMed 0.03773; gnomAD 0.05965 and 0.06369.

Submission:

Illumina Laboratory Services, Illumina
Classification: Benign for Peroxisome biogenesis disorder 7A (Zellweger). Last evaluated: 2018-01-12. Review status: criteria provided, single submitter. Criteria: ICSL Variant Classification Criteria 13 December 2019. Collection method: clinical testing. Allele origin: germline.
Comment: This variant was observed in the ICSL laboratory as part of a predisposition screen in an ostensibly healthy population. It had not been previously curated by ICSL or reported in the Human Gene Mutation Database (HGMD: prior to June 1st, 2018), and was therefore a candidate for classification through an automated scoring system. Utilizing variant allele frequency, disease prevalence and penetrance estimates, and inheritance mode, an automated score was calculated to assess if this variant is too frequent to cause the disease. Based on the score and internal cut-off values, a variant classified as benign is not then subjected to further curation. The score for this variant resulted in a classification of benign for this disease.

NM_001127649.3(PEX26):c.*1623G>T

Gene: PEX26 (peroxisomal biogenesis factor 26; plus strand). Cytogenetic location: 22q11.21.
Variant type: single nucleotide variant.
Coding change: c.*1623G>T on transcript NM_001127649.3 (MANE Select); 1623 bases downstream of the stop codon, G replaced by T.
Molecular consequence: 3 prime UTR variant.
Genome position (GRCh38, 1-based): chr22:18,089,698, G>T. VCF-style: chr22-18089698-G-T. GRCh37 (hg19) VCF-style: chr22-18572464-G-T.
Other names: c.*1623G>T (NM_001199319.2, NM_017929.6).
Identifiers: ClinVar variation 340792 (VCV000340792.5), dbSNP rs114698763, ClinGen allele CA10650859.